The following is an entry in ClinVar:

ClinVar aggregate classification (germline): Benign. Review status: criteria provided, multiple submitters, no conflicts (2 of 4 stars). 5 submissions from 5 submitters: Benign (5). Last evaluated 2026-02-04.

Conditions:
Immunodeficiency 35 (IMD35). Also called: TYK2 DEFICIENCY; Susceptibility to infection due to TYK2 deficiency; HIES WITH ATYPICAL MYCOBACTERIOSIS, AUTOSOMAL RECESSIVE; HYPER-IgE SYNDROME WITH ATYPICAL MYCOBACTERIOSIS, AUTOSOMAL RECESSIVE. Identifiers: Orphanet 331226, MedGen C1969086, MONDO:0012682, OMIM 611521.

Allele frequency attached by ClinVar (database versions not stated): ESP Exome Variant Server 0.00062; gnomAD 0.00259 and 0.00176; 1000 Genomes Project 30x 0.01124; gnomAD exomes 0.00224; TOPMed 0.00315; 1000 Genomes Project 0.01278.
gnomAD v4.1: 3,357 of 1,457,160 alleles (0.23%); highest among the groups gnomAD compares: East Asian, 5.5%; 89 homozygotes.

Submissions (5):

Labcorp Genetics (formerly Invitae), Labcorp
Classification: Benign for Immunodeficiency 35. Last evaluated: 2026-02-04. Review status: criteria provided, single submitter. Criteria: Invitae Variant Classification Sherloc (09022015). Collection method: clinical testing. Allele origin: germline.

Mayo Clinic Laboratories, Mayo Clinic
Classification: Benign. Last evaluated: 2022-09-06. Review status: criteria provided, single submitter. Criteria: ACMG Guidelines, 2015. Collection method: clinical testing. Allele origin: germline. Observed: 1 variant allele.

Illumina Laboratory Services, Illumina
Classification: Benign for Immunodeficiency 35. Last evaluated: 2018-01-13. Review status: criteria provided, single submitter. Criteria: ICSL Variant Classification Criteria 13 December 2019. Collection method: clinical testing. Allele origin: germline.
Comment: This variant was observed in the ICSL laboratory as part of a predisposition screen in an ostensibly healthy population. It had not been previously curated by ICSL or reported in the Human Gene Mutation Database (HGMD: prior to June 1st, 2018), and was therefore a candidate for classification through an automated scoring system. Utilizing variant allele frequency, disease prevalence and penetrance estimates, and inheritance mode, an automated score was calculated to assess if this variant is too frequent to cause the disease. Based on the score and internal cut-off values, a variant classified as benign is not then subjected to further curation. The score for this variant resulted in a classification of benign for this disease.

GeneDx
Classification: Benign. Last evaluated: 2015-10-13. Review status: criteria provided, single submitter. Criteria: GeneDx Variant Classification (06012015). Collection method: clinical testing. Allele origin: germline. Affected: yes.
Comment: This variant is considered likely benign or benign based on one or more of the following criteria: it is a conservative change, it occurs at a poorly conserved position in the protein, it is predicted to be benign by multiple in silico algorithms, and/or has population frequency not consistent with disease.

PreventionGenetics, part of Exact Sciences
Classification: Benign. Review status: criteria provided, single submitter. Criteria: ACMG Guidelines, 2015. Collection method: clinical testing. Allele origin: germline.

NM_003331.5(TYK2):c.3201-8C>T

Gene: TYK2 (tyrosine kinase 2; minus strand). Cytogenetic location: 19p13.2.
Variant type: single nucleotide variant.
Coding change: c.3201-8C>T on transcript NM_003331.5 (MANE Select); 8 bases into the intron before coding-DNA position 3201, C replaced by T.
Molecular consequence: intron variant.
Genome position (GRCh38, 1-based): chr19:10,352,559, G>A on the plus strand (C>T on the coding strand, the complement: TYK2 is on the minus strand). VCF-style: chr19-10352559-G-A. GRCh37 (hg19) VCF-style: chr19-10463235-G-A.
Other names: p.?; c.3201-8C>T (LRG_121t1).
Identifiers: ClinVar variation 259044 (VCV000259044.16), dbSNP rs2304252, ClinGen allele CA9192789.